The following is an entry in ClinVar:

ClinVar aggregate classification (germline): Likely benign (1 of 4 stars; one submission).

Submission:

CeGaT Center for Human Genetics Tuebingen
Classification: Likely benign. Last evaluated: 2024-08-01. Review status: criteria provided, single submitter. Criteria: CeGaT Center For Human Genetics Tuebingen Variant Classification Criteria Version 2. Collection method: clinical testing. Allele origin: germline. Affected: yes. Observed: 1 variant allele.
Comment: KMT2B: BP4, BP7

NM_014727.3(KMT2B):c.1326A>C (p.Pro442=)

Gene: KMT2B (lysine methyltransferase 2B; plus strand). Cytogenetic location: 19q13.12.
Variant type: single nucleotide variant.
Coding change: c.1326A>C on transcript NM_014727.3 (MANE Select); coding-DNA position 1326, A replaced by C.
Protein change: p.Pro442=; no amino-acid change (proline 442 retained).
Molecular consequence: synonymous variant.
Genome position (GRCh38, 1-based): chr19:35,720,673, A>C. VCF-style: chr19-35720673-A-C. GRCh37 (hg19) VCF-style: chr19-36211575-A-C.
Identifiers: ClinVar variation 3341737 (VCV003341737.16).
Genomic context (GRCh38, chr19:35,720,673, plus strand): 5'-ATCTCCTCCACCCCCACTCTGCCCTCCACCACCACCCCCAGTGTCCCCACCACCTCTACC[A>C]TCCCCTCCACCGCCTCCTGCCCAAGAGGAGCAGGAGGAATCCCCTCCTCCTGTGGTCCCA-3'
Protein context (NP_055542.1, residues 432-452): PPPPVSPPPL[Pro442=]SPPPPPAQEE